The following is an entry in ClinVar:

ClinVar aggregate classification (germline): Uncertain significance. Review status: criteria provided, multiple submitters, no conflicts (2 of 4 stars). 2 submissions from 2 submitters: Uncertain significance (2). Last evaluated 2025-07-07.

Conditions:
Hereditary cancer-predisposing syndrome. Also called: Neoplastic Syndromes, Hereditary; Tumor predisposition; Hereditary neoplastic syndrome; Hereditary Cancer Syndrome. Identifiers: Orphanet 140162, MedGen C0027672, MeSH D009386, MONDO:0015356.
Oligodontia-cancer predisposition syndrome. Also called: TOOTH AGENESIS-COLORECTAL CANCER SYNDROME. Identifiers: Orphanet 300576, MedGen C1837750, MONDO:0012075, OMIM 608615. Disease mechanism: loss of function.

Submissions (2):

Labcorp Genetics (formerly Invitae), Labcorp
Classification: Uncertain significance for Oligodontia-cancer predisposition syndrome. Last evaluated: 2025-07-07. Review status: criteria provided, single submitter. Criteria: Invitae Variant Classification Sherloc (09022015). Collection method: clinical testing. Allele origin: germline.
Comment: This sequence change replaces lysine, which is basic and polar, with arginine, which is basic and polar, at codon 633 of the AXIN2 protein (p.Lys633Arg). This variant is not present in population databases (gnomAD no frequency). This variant has not been reported in the literature in individuals affected with AXIN2-related conditions. ClinVar contains an entry for this variant (Variation ID: 1351295). Invitae Evidence Modeling of protein sequence and biophysical properties (such as structural, functional, and spatial information, amino acid conservation, physicochemical variation, residue mobility, and thermodynamic stability) indicates that this missense variant is not expected to disrupt AXIN2 protein function with a negative predictive value of 80%. In summary, the available evidence is currently insufficient to determine the role of this variant in disease. Therefore, it has been classified as a Variant of Uncertain Significance.

Ambry Genetics
Classification: Uncertain significance for Hereditary cancer-predisposing syndrome. Last evaluated: 2021-01-19. Review status: criteria provided, single submitter. Criteria: Ambry Variant Classification Scheme 2023. Collection method: clinical testing. Allele origin: germline.
Comment: The p.K633R variant (also known as c.1898A>G), located in coding exon 6 of the AXIN2 gene, results from an A to G substitution at nucleotide position 1898. The lysine at codon 633 is replaced by arginine, an amino acid with highly similar properties. This amino acid position is well conserved in available vertebrate species. In addition, this alteration is predicted to be tolerated by in silico analysis. Since supporting evidence is limited at this time, the clinical significance of this alteration remains unclear.

NM_004655.4(AXIN2):c.1898A>G (p.Lys633Arg)

Gene: AXIN2 (axin 2; minus strand). Cytogenetic location: 17q24.1.
Variant type: single nucleotide variant.
Coding change: c.1898A>G on transcript NM_004655.4 (MANE Select); coding-DNA position 1898, A replaced by G.
Protein change: p.Lys633Arg; replaces lysine 633 with arginine.
Molecular consequence: missense variant. On other transcripts: intron variant (1).
Genome position (GRCh38, 1-based): chr17:65,536,878, T>C on the plus strand (A>G on the coding strand, the complement: AXIN2 is on the minus strand). VCF-style: chr17-65536878-T-C. GRCh37 (hg19) VCF-style: chr17-63532996-T-C.
Other names: c.1713-325A>G (NM_001363813.1); short protein forms K633R.
Identifiers: ClinVar variation 1351295 (VCV001351295.8), dbSNP rs2144448232, ClinGen allele CA400676387.